The following is an entry in ClinVar:

NM_001105206.3(LAMA4):c.1531G>A (p.Ala511Thr)

Gene: LAMA4 (laminin subunit alpha 4; minus strand). Cytogenetic location: 6q21.
Variant type: single nucleotide variant.
Coding change: c.1531G>A on transcript NM_001105206.3 (MANE Select); coding-DNA position 1531, G replaced by A.
Protein change: p.Ala511Thr; replaces alanine 511 with threonine.
Molecular consequence: missense variant.
Genome position (GRCh38, 1-based): chr6:112,172,631, C>T on the plus strand (G>A on the coding strand, the complement: LAMA4 is on the minus strand). VCF-style: chr6-112172631-C-T. GRCh37 (hg19) VCF-style: chr6-112493833-C-T.
Other names: c.1510G>A, p.Ala504Thr (NM_001105207.3, NM_002290.5); short protein forms A511T, A504T.
Identifiers: ClinVar variation 1502320 (VCV001502320.8), dbSNP rs2114866762, ClinGen allele CA365370459.

ClinVar aggregate classification (germline): Uncertain significance (1 of 4 stars; one submission).

Conditions:
Dilated cardiomyopathy 1JJ (CMD1JJ). Identifiers: Orphanet 154, MedGen C3808935, MONDO:0014095, OMIM 615235.

Allele frequency attached by ClinVar (database versions not stated): gnomAD exomes below 0.00001.
gnomAD v4.1: 1 of 1,612,996 alleles (0.000062%); highest among the groups gnomAD compares: Non-Finnish European, 0.000085%; no homozygotes.

Submission:

Labcorp Genetics (formerly Invitae), Labcorp
Classification: Uncertain significance for Dilated cardiomyopathy 1JJ. Last evaluated: 2020-11-06. Review status: criteria provided, single submitter. Criteria: Invitae Variant Classification Sherloc (09022015). Collection method: clinical testing. Allele origin: germline.
Comment: This sequence change replaces alanine with threonine at codon 504 of the LAMA4 protein (p.Ala504Thr). The alanine residue is moderately conserved and there is a small physicochemical difference between alanine and threonine. This variant is not present in population databases (ExAC no frequency). This variant has not been reported in the literature in individuals with LAMA4-related conditions. Algorithms developed to predict the effect of missense changes on protein structure and function (SIFT, PolyPhen-2, Align-GVGD) all suggest that this variant is likely to be tolerated, but these predictions have not been confirmed by published functional studies and their clinical significance is uncertain. In summary, the available evidence is currently insufficient to determine the role of this variant in disease. Therefore, it has been classified as a Variant of Uncertain Significance.